The following is an entry in ClinVar:

NM_005732.4(RAD50):c.3137G>A (p.Gly1046Asp)

Gene: RAD50 (RAD50 double strand break repair protein; plus strand). Cytogenetic location: 5q31.1.
Variant type: single nucleotide variant.
Coding change: c.3137G>A on transcript NM_005732.4 (MANE Select); coding-DNA position 3137, G replaced by A.
Protein change: p.Gly1046Asp; replaces glycine 1046 with aspartic acid.
Molecular consequence: missense variant.
Genome position (GRCh38, 1-based): chr5:132,616,103, G>A. VCF-style: chr5-132616103-G-A. GRCh37 (hg19) VCF-style: chr5-131951795-G-A.
Other names: c.3137G>A (NM_005732.3); short protein forms G1046D.
Identifiers: ClinVar variation 1414111 (VCV001414111.7), dbSNP rs552846176, ClinGen allele CA360963840.

ClinVar aggregate classification (germline): Uncertain significance. Review status: criteria provided, multiple submitters, no conflicts (2 of 4 stars). 2 submissions from 2 submitters: Uncertain significance (2). Last evaluated 2026-07-05.

Conditions:
Hereditary cancer-predisposing syndrome. Also called: Hereditary Cancer Syndrome; Neoplastic Syndromes, Hereditary; Hereditary neoplastic syndrome; Tumor predisposition. Identifiers: Orphanet 140162, MedGen C0027672, MeSH D009386, MONDO:0015356.

Submissions (2):

Ambry Genetics
Classification: Uncertain significance for Hereditary cancer-predisposing syndrome. Last evaluated: 2026-07-05. Review status: criteria provided, single submitter. Criteria: Ambry Variant Classification Scheme 2023. Collection method: clinical testing. Allele origin: germline.
Comment: The p.G1046D variant (also known as c.3137G>A), located in coding exon 20 of the RAD50 gene, results from a G to A substitution at nucleotide position 3137. The glycine at codon 1046 is replaced by aspartic acid, an amino acid with similar properties. This amino acid position is conserved. In addition, the in silico prediction for this alteration is inconclusive. Based on the available evidence, the clinical significance of this variant remains unclear.

Labcorp Genetics (formerly Invitae), Labcorp
Classification: Uncertain significance for Hereditary cancer-predisposing syndrome. Last evaluated: 2021-08-30. Review status: criteria provided, single submitter. Criteria: Invitae Variant Classification Sherloc (09022015). Collection method: clinical testing. Allele origin: germline.
Comment: This sequence change replaces glycine with aspartic acid at codon 1046 of the RAD50 protein (p.Gly1046Asp). The glycine residue is moderately conserved and there is a moderate physicochemical difference between glycine and aspartic acid. This variant is not present in population databases (ExAC no frequency). This variant has not been reported in the literature in individuals affected with RAD50-related conditions. Algorithms developed to predict the effect of missense changes on protein structure and function are either unavailable or do not agree on the potential impact of this missense change (SIFT: "Tolerated"; PolyPhen-2: "Possibly Damaging"; Align-GVGD: "Class C0"). In summary, the available evidence is currently insufficient to determine the role of this variant in disease. Therefore, it has been classified as a Variant of Uncertain Significance.